The following is an entry in ClinVar:

ClinVar aggregate classification (germline): Uncertain significance (1 of 4 stars; one submission).

Submission:

Labcorp Genetics (formerly Invitae), Labcorp
Classification: Uncertain significance. Last evaluated: 2025-04-20. Review status: criteria provided, single submitter. Criteria: Invitae Variant Classification Sherloc (09022015). Collection method: clinical testing. Allele origin: germline.
Comment: This sequence change falls in intron 20 of the KIF2A gene. It does not directly change the encoded amino acid sequence of the KIF2A protein. It affects a nucleotide within the consensus splice site. This variant is present in population databases (no rsID available, gnomAD 0.003%). This variant has not been reported in the literature in individuals affected with KIF2A-related conditions. Variants that disrupt the consensus splice site are a relatively common cause of aberrant splicing (PMID: 17576681, 9536098). In summary, the available evidence is currently insufficient to determine the role of this variant in disease. Therefore, it has been classified as a Variant of Uncertain Significance.

Literature cited by the submitters: PubMed 17576681; PubMed 9536098.

NM_001098511.3(KIF2A):c.2150-2del

Gene: KIF2A (kinesin family member 2A; plus strand). Cytogenetic location: 5q12.1.
Variant type: Deletion.
Coding change: c.2150-2del on transcript NM_001098511.3 (MANE Select); the canonical splice acceptor site of the intron before coding-DNA position 2150, one base deleted (A; older notation c.2150-2delA).
Molecular consequence: splice acceptor variant.
Genome position (GRCh38, 1-based): chr5:62,385,482, A deleted; the last of 2 consecutive A bases (chr5:62,385,481-62,385,482); deleting either gives the same sequence. VCF-style (leftmost placement, unchanged base first): chr5-62385480-CA-C. GRCh37 (hg19) VCF-style: chr5-61681307-CA-C.
Other names: c.1955-2del (NM_001243952.2); c.2036-2del (NM_004520.5); c.1979-2del (NM_001243953.2).
Identifiers: ClinVar variation 4777140 (VCV004777140.1).